The following is an entry in ClinVar:

ClinVar aggregate classification (germline): Benign/Likely benign. Review status: criteria provided, multiple submitters, no conflicts (2 of 4 stars). 3 submissions from 3 submitters: Benign (1); Likely benign (2). Last evaluated 2025-09-16.

Conditions:
Hyperphosphatasemia with bone disease (PDB5). Also called: PAGET DISEASE OF BONE 5, JUVENILE-ONSET; Paget disease of bone 5; HYPEROSTOSIS CORTICALIS DEFORMANS JUVENILIS; HYPERPHOSPHATASEMIA, CHRONIC CONGENITAL IDIOPATHIC; HYPERPHOSPHATASIA, FAMILIAL IDIOPATHIC; Osteoectasia familial. Identifiers: Orphanet 2801, MedGen C0268414, MONDO:0009394, OMIM 239000.

Allele frequency attached by ClinVar (database versions not stated): gnomAD 0.00014 and 0.00016; TOPMed 0.00026; 1000 Genomes Project 30x 0.00031; 1000 Genomes Project 0.00040; gnomAD exomes 0.00045; ExAC 0.00081.
gnomAD v4.1: 242 of 1,593,062 alleles (0.015%); highest among the groups gnomAD compares: East Asian, 0.53%; 4 homozygotes.

Submissions (3):

Labcorp Genetics (formerly Invitae), Labcorp
Classification: Benign. Last evaluated: 2025-09-16. Review status: criteria provided, single submitter. Criteria: Invitae Variant Classification Sherloc (09022015). Collection method: clinical testing. Allele origin: germline.

Blueprint Genetics
Classification: Likely benign. Last evaluated: 2021-11-10. Review status: criteria provided, single submitter. Criteria: ACMG Guidelines, 2015. Collection method: clinical testing. Allele origin: germline.

Illumina Laboratory Services, Illumina
Classification: Likely benign for Hyperphosphatasemia with bone disease. Last evaluated: 2018-01-12. Review status: criteria provided, single submitter. Criteria: ICSL Variant Classification Criteria 13 December 2019. Collection method: clinical testing. Allele origin: germline.
Comment: This variant was observed in the ICSL laboratory as part of a predisposition screen in an ostensibly healthy population. It had not been previously curated by ICSL or reported in the Human Gene Mutation Database (HGMD: prior to June 1st, 2018), and was therefore a candidate for classification through an automated scoring system. Utilizing variant allele frequency, disease prevalence and penetrance estimates, and inheritance mode, an automated score was calculated to assess if this variant is too frequent to cause the disease. Based on the score and internal cut-off values, a variant classified as likely benign is not then subjected to further curation. The score for this variant resulted in a classification of likely benign for this disease.

NM_002546.4(TNFRSF11B):c.21C>T (p.Cys7=)

Gene: TNFRSF11B (TNF receptor superfamily member 11b; minus strand). Cytogenetic location: 8q24.12.
Variant type: single nucleotide variant.
Coding change: c.21C>T on transcript NM_002546.4 (MANE Select); coding-DNA position 21, C replaced by T.
Protein change: p.Cys7=; no amino-acid change (cysteine 7 retained).
Molecular consequence: synonymous variant.
Genome position (GRCh38, 1-based): chr8:118,951,801, G>A on the plus strand (C>T on the coding strand, the complement: TNFRSF11B is on the minus strand). VCF-style: chr8-118951801-G-A. GRCh37 (hg19) VCF-style: chr8-119964040-G-A.
Identifiers: ClinVar variation 361697 (VCV000361697.13), dbSNP rs373330021, ClinGen allele CA4855015.